The following is an entry in ClinVar:

NM_031407.7(HUWE1):c.9332G>A (p.Arg3111His)

Gene: HUWE1 (HECT, UBA and WWE domain containing E3 ubiquitin protein ligase 1; minus strand). Cytogenetic location: Xp11.22.
Variant type: single nucleotide variant.
Coding change: c.9332G>A on transcript NM_031407.7 (MANE Select); coding-DNA position 9332, G replaced by A.
Protein change: p.Arg3111His; replaces arginine 3111 with histidine.
Molecular consequence: missense variant.
Genome position (GRCh38, 1-based): chrX:53,550,954, C>T on the plus strand (G>A on the coding strand, the complement: HUWE1 is on the minus strand). VCF-style: chrX-53550954-C-T. GRCh37 (hg19) VCF-style: chrX-53577915-C-T.
Other names: short protein forms R3111H.
Identifiers: ClinVar variation 3347351 (VCV003347351.1).

ClinVar aggregate classification (germline): Uncertain significance (0 of 4 stars; one submission).

Conditions:
HUWE1-related disorder. Also called: HUWE1-related condition.

Submission:

PreventionGenetics, part of Exact Sciences
Classification: Uncertain significance for HUWE1-related condition. Last evaluated: 2024-07-25. Review status: no assertion criteria provided. Collection method: clinical testing. Allele origin: germline.
Comment: The HUWE1 c.9332G>A variant is predicted to result in the amino acid substitution p.Arg3111His. To our knowledge, this variant has not been reported in the literature or in a large population database, indicating this variant is rare. At this time, the clinical significance of this variant is uncertain due to the absence of conclusive functional and genetic evidence.